The following is an entry in ClinVar:

NM_001286535.2(RAD9B):c.389G>T (p.Gly130Val)

Gene: RAD9B (RAD9 checkpoint clamp component B; plus strand). Cytogenetic location: 12q24.11.
Variant type: single nucleotide variant.
Coding change: c.389G>T on transcript NM_001286535.2 (MANE Select); coding-DNA position 389, G replaced by T.
Protein change: p.Gly130Val; replaces glycine 130 with valine.
Molecular consequence: missense variant. On other transcripts: 5 prime UTR variant (2), intron variant (4).
Genome position (GRCh38, 1-based): chr12:110,512,779, G>T. VCF-style: chr12-110512779-G-T. GRCh37 (hg19) VCF-style: chr12-110950584-G-T.
Other names: c.173G>T, p.Gly58Val (NM_001286531.2, NM_001286532.2, NM_001368051.1 and 1 more transcripts); c.-86G>T (NM_001286533.2, NM_001286534.2); c.389G>T, p.Gly130Val (NM_001368052.1, NM_152442.4); c.389-5897G>T (NM_001286536.2); c.-103-2271G>T (NM_001368054.1, NM_001368055.1, NM_001368056.1); short protein forms G130V, G58V.
Identifiers: ClinVar variation 2514797 (VCV002514797.4), dbSNP rs142054907, ClinGen allele CA6785991.

ClinVar aggregate classification (germline): Conflicting classifications of pathogenicity. Review status: criteria provided, conflicting classifications (1 of 4 stars). 2 submissions from 2 submitters: Uncertain significance (1); Likely benign (1). Last evaluated 2025-11-08.

Conditions:
RAD9B-related disorder. Also called: RAD9B-related condition.

Allele frequency attached by ClinVar (database versions not stated): gnomAD exomes 0.00010; ExAC 0.00032; 1000 Genomes Project 30x 0.00062; gnomAD 0.00079; 1000 Genomes Project 0.00080; TOPMed 0.00096.
gnomAD v4.1: 234 of 1,232,458 alleles (0.019%); highest among the groups gnomAD compares: African/African-American, 0.25%; no homozygotes.

Submissions (2):

Ambry Genetics
Classification: Uncertain significance. Last evaluated: 2025-11-08. Review status: criteria provided, single submitter. Criteria: Ambry Variant Classification Scheme 2023. Collection method: clinical testing. Allele origin: germline.

PreventionGenetics, part of Exact Sciences
Classification: Likely benign for RAD9B-related condition. Last evaluated: 2024-11-25. Review status: criteria provided, single submitter. Criteria: ACMG Guidelines, 2015. Collection method: clinical testing. Allele origin: germline.
Comment: This variant is classified as likely benign based on ACMG/AMP sequence variant interpretation guidelines (Richards et al. 2015 PMID: 25741868, with internal and published modifications).